The following is an entry in ClinVar:

ClinVar aggregate classification (germline): Uncertain significance. Review status: criteria provided, multiple submitters, no conflicts (2 of 4 stars). 2 submissions from 2 submitters: Uncertain significance (2). Last evaluated 2024-09-09.

Conditions:
Inborn genetic diseases. Identifiers: MedGen C0950123, MeSH D030342.

Allele frequency attached by ClinVar (database versions not stated): TOPMed 0.00001.
gnomAD v4.1: 5 of 1,608,754 alleles (0.00031%); highest among the groups gnomAD compares: Non-Finnish European, 0.00026%; no homozygotes.

Submissions (2):

Labcorp Genetics (formerly Invitae), Labcorp
Classification: Uncertain significance. Last evaluated: 2024-09-09. Review status: criteria provided, single submitter. Criteria: Invitae Variant Classification Sherloc (09022015). Collection method: clinical testing. Allele origin: germline.
Comment: This sequence change replaces leucine, which is neutral and non-polar, with valine, which is neutral and non-polar, at codon 218 of the GNPAT protein (p.Leu218Val). This variant is present in population databases (no rsID available, gnomAD 0.0009%). This variant has not been reported in the literature in individuals affected with GNPAT-related conditions. Invitae Evidence Modeling of protein sequence and biophysical properties (such as structural, functional, and spatial information, amino acid conservation, physicochemical variation, residue mobility, and thermodynamic stability) indicates that this missense variant is not expected to disrupt GNPAT protein function with a negative predictive value of 80%. In summary, the available evidence is currently insufficient to determine the role of this variant in disease. Therefore, it has been classified as a Variant of Uncertain Significance.

Ambry Genetics
Classification: Uncertain significance for Inborn genetic diseases. Last evaluated: 2023-10-05. Review status: criteria provided, single submitter. Criteria: Ambry Variant Classification Scheme 2023. Collection method: clinical testing. Allele origin: germline.

NM_014236.4(GNPAT):c.652C>G (p.Leu218Val)

Gene: GNPAT (glyceronephosphate O-acyltransferase; plus strand). Cytogenetic location: 1q42.2.
Variant type: single nucleotide variant.
Coding change: c.652C>G on transcript NM_014236.4 (MANE Select); coding-DNA position 652, C replaced by G.
Protein change: p.Leu218Val; replaces leucine 218 with valine.
Molecular consequence: missense variant.
Genome position (GRCh38, 1-based): chr1:231,265,376, C>G. VCF-style: chr1-231265376-C-G. GRCh37 (hg19) VCF-style: chr1-231401122-C-G.
Other names: c.469C>G, p.Leu157Val (NM_001316350.2); short protein forms L157V, L218V.
Identifiers: ClinVar variation 3100673 (VCV003100673.3), dbSNP rs1335364900, ClinGen allele CA345233318.